The following is an entry in ClinVar:

ClinVar aggregate classification (germline): Likely pathogenic (1 of 4 stars; one submission).

Conditions:
Glycogen phosphorylase kinase deficiency. Also called: Phosphorylase Kinase Deficiency; Glycogen Storage Disease Type IX. Identifiers: Orphanet 370, MedGen C0268147, MONDO:0700291.

Submission:

Women's Health and Genetics/Laboratory Corporation of America, LabCorp
Classification: Likely pathogenic for Glycogen phosphorylase kinase deficiency. Last evaluated: 2021-11-02. Review status: criteria provided, single submitter. Criteria: LabCorp Variant Classification Summary - May 2015. Collection method: clinical testing. Allele origin: germline.
Comment: Variant summary: The variant identified by MLPA or other technology involves the deletion of exons 2-7 in the PHKB gene. A presumed nomenclature of c.(76+1_77-1)_(710+1_711-1)del has been designated for the purposes of this classification. Although exact breakpoints of this deletion are not known, it is expected to result in a frameshift deletion change in the PHKB gene, a known mechanism of disease. The variant allele was found at a frequency of 4.6e-05 in 21694 control chromosomes (gnomAD, Structural Variants dataset). To our knowledge, no occurrence of exons 2-7 deletion in individuals affected with Glycogen Phosphorylase Kinase Deficiency and no experimental evidence demonstrating its impact on protein function have been reported. No clinical diagnostic laboratories have submitted clinical-significance assessments for this variant to ClinVar after 2014. Based on the evidence outlined above, the variant was classified as likely pathogenic.

NC_000016.9:g.(47495338_47531309)_(47581460_47614205)del

Gene: PHKB (phosphorylase kinase regulatory subunit beta; plus strand). Cytogenetic location: 16q12.1.
Variant type: Deletion.
Identifiers: ClinVar variation 1328986 (VCV001328986.1).